The following is an entry in ClinVar:

NM_194277.3(FRMD7):c.1101T>C (p.Asn367=)

Gene: FRMD7 (FERM domain containing 7; minus strand). Cytogenetic location: Xq26.2.
Variant type: single nucleotide variant.
Coding change: c.1101T>C on transcript NM_194277.3 (MANE Select); coding-DNA position 1101, T replaced by C.
Protein change: p.Asn367=; no amino-acid change (asparagine 367 retained).
Molecular consequence: synonymous variant.
Genome position (GRCh38, 1-based): chrX:132,078,916, A>G on the plus strand (T>C on the coding strand, the complement: FRMD7 is on the minus strand). VCF-style: chrX-132078916-A-G. GRCh37 (hg19) VCF-style: chrX-131212944-A-G.
Other names: c.1056T>C, p.Asn352= (NM_001306193.2).
Identifiers: ClinVar variation 263086 (VCV000263086.19), dbSNP rs7051368, ClinGen allele CA10518896.

ClinVar aggregate classification (germline): Benign. Review status: criteria provided, multiple submitters, no conflicts (2 of 4 stars). 7 submissions from 7 submitters: Benign (7). Last evaluated 2026-02-03.

Conditions:
Nystagmus 1, congenital, X-linked. Also called: NYSTAGMUS, INFANTILE PERIODIC ALTERNATING, X-LINKED; FRMD7-Related Infantile Nystagmus; NYSTAGMUS 1, INFANTILE, X-LINKED; NYSTAGMUS, CONGENITAL MOTOR, 1; NYSTAGMUS, INFANTILE IDIOPATHIC. Identifiers: MedGen C1839580, MONDO:0010693, OMIM 310700.

Allele frequency attached by ClinVar (database versions not stated): 1000 Genomes Project 0.04742; 1000 Genomes Project 30x 0.04912; gnomAD exomes 0.06883 and 0.08945; ExAC 0.07222; TOPMed 0.08452; gnomAD 0.08599 and 0.08904; ESP Exome Variant Server 0.09827.
gnomAD v4.1: 107,175 of 1,205,850 alleles (8.9%); highest among the groups gnomAD compares: Middle Eastern, 11%; 3,561 homozygotes.

Submissions (7):

Labcorp Genetics (formerly Invitae), Labcorp
Classification: Benign. Last evaluated: 2026-02-03. Review status: criteria provided, single submitter. Criteria: Invitae Variant Classification Sherloc (09022015). Collection method: clinical testing. Allele origin: germline.

Blueprint Genetics
Classification: Benign. Last evaluated: 2024-11-28. Review status: criteria provided, single submitter. Criteria: ACMG Guidelines, 2015. Collection method: clinical testing. Allele origin: germline.

Genome-Nilou Lab
Classification: Benign for Nystagmus 1, congenital, X-linked. Last evaluated: 2021-08-10. Review status: criteria provided, single submitter. Criteria: ACMG Guidelines, 2015. Collection method: clinical testing. Allele origin: germline. Affected: no.

Illumina Laboratory Services, Illumina
Classification: Benign for Nystagmus 1, congenital, X-linked. Last evaluated: 2018-01-13. Review status: criteria provided, single submitter. Criteria: ICSL Variant Classification Criteria 13 December 2019. Collection method: clinical testing. Allele origin: germline.
Comment: This variant was observed in the ICSL laboratory as part of a predisposition screen in an ostensibly healthy population. It had not been previously curated by ICSL or reported in the Human Gene Mutation Database (HGMD: prior to June 1st, 2018), and was therefore a candidate for classification through an automated scoring system. Utilizing variant allele frequency, disease prevalence and penetrance estimates, and inheritance mode, an automated score was calculated to assess if this variant is too frequent to cause the disease. Based on the score and internal cut-off values, a variant classified as benign is not then subjected to further curation. The score for this variant resulted in a classification of benign for this disease.

GeneDx
Classification: Benign. Last evaluated: 2015-03-03. Review status: criteria provided, single submitter. Criteria: GeneDx Variant Classification Process June 2021. Collection method: clinical testing. Allele origin: germline. Affected: yes.

Breakthrough Genomics
Classification: Benign. Review status: criteria provided, single submitter. Criteria: ACMG Guidelines, 2015. Collection method: not provided. Allele origin: germline. Inheritance: X-linked inheritance. Affected: yes.

PreventionGenetics, part of Exact Sciences
Classification: Benign. Review status: criteria provided, single submitter. Criteria: ACMG Guidelines, 2015. Collection method: clinical testing. Allele origin: germline.